The following is an entry in ClinVar:

ClinVar aggregate classification (germline): Uncertain significance (1 of 4 stars; one submission).

Submission:

Women's Health and Genetics/Laboratory Corporation of America, LabCorp
Classification: Uncertain significance. Last evaluated: 2024-07-30. Review status: criteria provided, single submitter. Criteria: LabCorp Variant Classification Summary - May 2015. Collection method: clinical testing. Allele origin: germline.
Comment: Variant summary: PSEN1 c.632T>C (p.Ile211Thr) results in a non-conservative amino acid change in the encoded protein sequence. Five of five in-silico tools predict a damaging effect of the variant on protein function. The variant was absent in 251484 control chromosomes. The available data on variant occurrences in the general population are insufficient to allow any conclusion about variant significance. To our knowledge, no occurrence of c.632T>C in individuals affected with Alzheimer Disease, Type 3 and no experimental evidence demonstrating its impact on protein function have been reported. No submitters have cited clinical-significance assessments for this variant to ClinVar. Based on the evidence outlined above, the variant was classified as uncertain significance.

NM_000021.4(PSEN1):c.632T>C (p.Ile211Thr)

Gene: PSEN1 (presenilin 1; plus strand). Cytogenetic location: 14q24.2.
Variant type: single nucleotide variant.
Coding change: c.632T>C on transcript NM_000021.4 (MANE Select); coding-DNA position 632, T replaced by C.
Protein change: p.Ile211Thr; replaces isoleucine 211 with threonine.
Molecular consequence: missense variant.
Genome position (GRCh38, 1-based): chr14:73,192,727, T>C. VCF-style: chr14-73192727-T-C. GRCh37 (hg19) VCF-style: chr14-73659435-T-C.
Other names: c.620T>C, p.Ile207Thr (NM_007318.3); short protein forms I207T, I211T.
Identifiers: ClinVar variation 3339117 (VCV003339117.1).